The following is an entry in ClinVar:

ClinVar aggregate classification (germline): Uncertain significance (1 of 4 stars; one submission).

Conditions:
Hereditary cancer-predisposing syndrome. Also called: Tumor predisposition; Hereditary neoplastic syndrome; Hereditary Cancer Syndrome; Neoplastic Syndromes, Hereditary. Identifiers: Orphanet 140162, MedGen C0027672, MeSH D009386, MONDO:0015356.

Submission:

Ambry Genetics
Classification: Uncertain significance for Hereditary cancer-predisposing syndrome. Last evaluated: 2025-05-15. Review status: criteria provided, single submitter. Criteria: Ambry Variant Classification Scheme 2023. Collection method: clinical testing. Allele origin: germline.
Comment: The p.K94Q variant (also known as c.280A>C), located in coding exon 3 of the RB1 gene, results from an A to C substitution at nucleotide position 280. The lysine at codon 94 is replaced by glutamine, an amino acid with similar properties. This amino acid position is conserved. In addition, this alteration is predicted to be tolerated by in silico analysis. Based on the available evidence, the clinical significance of this variant remains unclear.

NM_000321.3(RB1):c.280A>C (p.Lys94Gln)

Gene: RB1 (RB transcriptional corepressor 1; plus strand). Cytogenetic location: 13q14.2.
Variant type: single nucleotide variant.
Coding change: c.280A>C on transcript NM_000321.3 (MANE Select); coding-DNA position 280, A replaced by C.
Protein change: p.Lys94Gln; replaces lysine 94 with glutamine.
Molecular consequence: missense variant.
Genome position (GRCh38, 1-based): chr13:48,342,614, A>C. VCF-style: chr13-48342614-A-C. GRCh37 (hg19) VCF-style: chr13-48916750-A-C.
Other names: c.280A>C, p.Lys94Gln (NM_001407165.1, NM_001407166.1); short protein forms K94Q.
Identifiers: ClinVar variation 3943359 (VCV003943359.1).